The following is an entry in ClinVar:

ClinVar aggregate classification (germline): Benign (1 of 4 stars; one submission).

Allele frequency attached by ClinVar (database versions not stated): 1000 Genomes Project 30x 0.22361; 1000 Genomes Project 0.22664; ESP Exome Variant Server 0.25334; gnomAD 0.25970; TOPMed 0.26302; ExAC 0.27616.
gnomAD v4.1: 463,012 of 1,610,412 alleles (29%); highest among the groups gnomAD compares: Admixed American, 35%; 68,440 homozygotes.

Submissions (2):

Unidad de Genómica Garrahan, Hospital de Pediatría Garrahan
Classification: Benign. Last evaluated: 2024-01-24. Review status: criteria provided, single submitter. Criteria: ACMG Guidelines, 2015. Collection method: clinical testing. Allele origin: germline. Affected: no. Observed: 52 variant alleles.
Comment: This variant is classified as Benign based on local population frequency. This variant was detected in 55% of patients studied by a panel of primary immunodeficiencies. Number of patients: 52. Only high quality variants are reported.

Dr. Peter K. Rogan Lab, Western University
No classification provided (evidence only). Condition: Malignant lymphoma, large B-cell, diffuse. Review status: no classification provided. Collection method: in vitro. Allele origin: not applicable. Functional consequence: retained intron. Not counted in ClinVar's aggregate classification.

NM_001144958.2(CRACR2A):c.383C>T (p.Ala128Val)

Gene: CRACR2A (calcium release activated channel regulator 2A; minus strand). Cytogenetic location: 12p13.32.
Variant type: single nucleotide variant.
Coding change: c.383C>T on transcript NM_001144958.2 (MANE Select); coding-DNA position 383, C replaced by T.
Protein change: p.Ala128Val; replaces alanine 128 with valine.
Molecular consequence: missense variant.
Genome position (GRCh38, 1-based): chr12:3,679,056, G>A on the plus strand (C>T on the coding strand, the complement: CRACR2A is on the minus strand). VCF-style: chr12-3679056-G-A. GRCh37 (hg19) VCF-style: chr12-3788222-G-A.
Other names: NC_000012.11:g.3788222G>A; c.383C>T, p.Ala128Val (NM_032680.4); short protein forms A128V.
Identifiers: ClinVar variation 2688093 (VCV002688093.3), dbSNP rs242017, ClinGen allele CA6394717.